The following is an entry in ClinVar:

ClinVar aggregate classification (germline): Uncertain significance (1 of 4 stars; one submission).

Conditions:
Lower motor neuron syndrome with late-adult onset (SMAJ). Also called: Spinal muscular atrophy, Jokela type; Late-Onset Spinal Motor Neuronopathy (SMAJ). Identifiers: Orphanet 276435, MedGen C3554398, MONDO:0014025, OMIM 615048.
Frontotemporal dementia and/or amyotrophic lateral sclerosis 2. Also called: FTDALS2. Identifiers: Orphanet 275872, MedGen C4014648, MONDO:0014395, OMIM 615911.
Autosomal dominant mitochondrial myopathy with exercise intolerance (IMMD). Also called: Myopathy, isolated mitochondrial, autosomal dominant. Identifiers: Orphanet 457050, MedGen C4015513, MONDO:0014532, OMIM 616209.

Submission:

Labcorp Genetics (formerly Invitae), Labcorp
Classification: Uncertain significance for Lower motor neuron syndrome with late-adult onset; Frontotemporal dementia and/or amyotrophic lateral sclerosis 2; Autosomal dominant mitochondrial myopathy with exercise intolerance. Last evaluated: 2026-01-12. Review status: criteria provided, single submitter. Criteria: Invitae Variant Classification Sherloc (09022015). Collection method: clinical testing. Allele origin: germline.
Comment: This sequence change replaces alanine, which is neutral and non-polar, with valine, which is neutral and non-polar, at codon 103 of the CHCHD10 protein (p.Ala103Val). This variant is not present in population databases (gnomAD no frequency). This missense change has been observed in individual(s) with amyotrophic lateral sclerosis (PMID: 34544842). ClinVar contains an entry for this variant (Variation ID: 1387504). An algorithm developed to predict the effect of missense changes on protein structure and function (PolyPhen-2) suggests that this variant is likely to be tolerated. In summary, the available evidence is currently insufficient to determine the role of this variant in disease. Therefore, it has been classified as a Variant of Uncertain Significance.

Literature cited by the submitters: PubMed 34544842.

NM_213720.3(CHCHD10):c.308C>T (p.Ala103Val)

Gene: CHCHD10 (coiled-coil-helix-coiled-coil-helix domain containing 10; minus strand). Cytogenetic location: 22q11.23.
Variant type: single nucleotide variant.
Coding change: c.308C>T on transcript NM_213720.3 (MANE Select); coding-DNA position 308, C replaced by T.
Protein change: p.Ala103Val; replaces alanine 103 with valine.
Molecular consequence: missense variant. On other transcripts: non-coding transcript variant (2).
Genome position (GRCh38, 1-based): chr22:23,766,229, G>A on the plus strand (C>T on the coding strand, the complement: CHCHD10 is on the minus strand). VCF-style: chr22-23766229-G-A. GRCh37 (hg19) VCF-style: chr22-24108416-G-A.
Other names: c.329C>T, p.Ala110Val (NM_001301339.2); short protein forms A103V, A110V.
Identifiers: ClinVar variation 1387504 (VCV001387504.6), dbSNP rs2145924358, ClinGen allele CA410914928.
Genomic context (GRCh38, chr22:23,766,229, plus strand): 5'-TCACACAGGGACAGGTCACTCTGAGTGGTGGAACAGTCCAGGAACTGCCTGATCTCGTAG[G>A]CGCAGGGCCCCATCTGCAGGGGCTGGGGGGCAGCGGGGGTGGGGGCCTGGGGGTACAGTG-3'
Protein context (NP_998885.1, residues 93-113): APQPLQMGPC[Ala103Val]YEIRQFLDCS